The following is an entry in ClinVar:

ClinVar aggregate classification (germline): Likely benign (1 of 4 stars; one submission).

Allele frequency attached by ClinVar (database versions not stated): ExAC 0.00003; gnomAD 0.00003; gnomAD exomes 0.00003; TOPMed 0.00006.
gnomAD v4.1: 57 of 1,612,812 alleles (0.0035%); highest among the groups gnomAD compares: Admixed American, 0.027%; no homozygotes.

Submission:

CeGaT Center for Human Genetics Tuebingen
Classification: Likely benign. Last evaluated: 2022-04-01. Review status: criteria provided, single submitter. Criteria: CeGaT Center For Human Genetics Tuebingen Variant Classification Criteria Version 2. Collection method: clinical testing. Allele origin: germline. Affected: yes. Observed: 1 variant allele.
Comment: SYNRG: BP4, BP7

NM_007247.6(SYNRG):c.1917A>G (p.Thr639=)

Gene: SYNRG (synergin gamma; minus strand). Cytogenetic location: 17q12.
Variant type: single nucleotide variant.
Coding change: c.1917A>G on transcript NM_007247.6 (MANE Select); coding-DNA position 1917, A replaced by G.
Protein change: p.Thr639=; no amino-acid change (threonine 639 retained).
Molecular consequence: synonymous variant.
Genome position (GRCh38, 1-based): chr17:37,553,806, T>C on the plus strand (A>G on the coding strand, the complement: SYNRG is on the minus strand). VCF-style: chr17-37553806-T-C. GRCh37 (hg19) VCF-style: chr17-35913908-T-C.
Other names: c.1683A>G, p.Thr561= (NM_001163544.3, NM_001163546.3, NM_080550.5 and 1 more transcripts); c.1680A>G, p.Thr560= (NM_001163545.3); c.1434A>G, p.Thr478= (NM_001163547.3); c.2220A>G, p.Thr740= (NM_001405103.1); c.1053A>G, p.Thr351= (NM_080551.1).
Identifiers: ClinVar variation 2647696 (VCV002647696.24), dbSNP rs773851008, ClinGen allele CA8517519.
Genomic context (GRCh38, chr17:37,553,806, plus strand): 5'-TGCCAATGCTGTCATAGTAGCAGCAGAACCTGTTGACTGTGGTGTAGAAACTGATTTTGA[T>C]GTGCTAAACACAGCTGAAAAAGACAATGGTTTCTCGCTGCTGCAATTAACTGAGGAAAAC-3'
Protein context (NP_009178.3, residues 629-649): KPLSFSAVFS[Thr639=]SKSVSTPQST